The following is an entry in ClinVar:

ClinVar aggregate classification (germline): Uncertain significance (1 of 4 stars; one submission).

Conditions:
Hereditary spastic paraplegia 30. Identifiers: Orphanet 101010, MedGen C5235139, MONDO:0012476.
Neuropathy, hereditary sensory, type 2C. Also called: Hereditary sensory and autonomic neuropathy type IIC; KIF1A-Related HSAN2 (HSAN2C). Identifiers: Orphanet 970, MedGen C3280168, MONDO:0013634, OMIM 614213.
Intellectual disability, autosomal dominant 9 (NESCAVS). Also called: NESCAV SYNDROME; KIF1A-Related Neurodevelopmental Disorder. Identifiers: Orphanet 662367, MedGen C5393830, MONDO:0013656, OMIM 614255.

Submission:

Labcorp Genetics (formerly Invitae), Labcorp
Classification: Uncertain significance for Hereditary spastic paraplegia 30; Neuropathy, hereditary sensory, type 2C; Intellectual disability, autosomal dominant 9. Last evaluated: 2021-03-09. Review status: criteria provided, single submitter. Criteria: Invitae Variant Classification Sherloc (09022015). Collection method: clinical testing. Allele origin: germline.
Comment: Advanced modeling of protein sequence and biophysical properties (such as structural, functional, and spatial information, amino acid conservation, physicochemical variation, residue mobility, and thermodynamic stability) performed at Invitae indicates that this missense variant is expected to disrupt KIF1A protein function. In summary, the available evidence is currently insufficient to determine the role of this variant in disease. Therefore, it has been classified as a Variant of Uncertain Significance. Algorithms developed to predict the effect of sequence changes on RNA splicing suggest that this variant may create or strengthen a splice site, but this prediction has not been confirmed by published transcriptional studies. This variant has not been reported in the literature in individuals with KIF1A-related conditions. This variant is not present in population databases (ExAC no frequency). This sequence change replaces alanine with aspartic acid at codon 101 of the KIF1A protein (p.Ala101Asp). The alanine residue is highly conserved and there is a moderate physicochemical difference between alanine and aspartic acid.

NM_001244008.2(KIF1A):c.302C>A (p.Ala101Asp)

Gene: KIF1A (kinesin family member 1A; minus strand). Cytogenetic location: 2q37.3.
Variant type: single nucleotide variant.
Coding change: c.302C>A on transcript NM_001244008.2 (MANE Select); coding-DNA position 302, C replaced by A.
Protein change: p.Ala101Asp; replaces alanine 101 with aspartic acid.
Molecular consequence: missense variant.
Genome position (GRCh38, 1-based): chr2:240,788,112, G>T on the plus strand (C>A on the coding strand, the complement: KIF1A is on the minus strand). VCF-style: chr2-240788112-G-T. GRCh37 (hg19) VCF-style: chr2-241727529-G-T.
Other names: c.302C>A, p.Ala101Asp (NM_001320705.2, NM_001330289.2, NM_001330290.2 and 20 more transcripts); short protein forms A101D.
Identifiers: ClinVar variation 1363559 (VCV001363559.8), dbSNP rs2126091776, ClinGen allele CA351310262.